The following is an entry in ClinVar:

ClinVar aggregate classification (germline): Uncertain significance (0 of 4 stars; one submission).

Conditions:
PKD1-related disorder. Also called: PKD1-related condition.

Allele frequency attached by ClinVar (database versions not stated): TOPMed 0.00001.

Submission:

PreventionGenetics, part of Exact Sciences
Classification: Uncertain significance for PKD1-related condition. Last evaluated: 2024-02-26. Review status: no assertion criteria provided. Collection method: clinical testing. Allele origin: germline.
Comment: The PKD1 c.10291G>T variant is predicted to result in the amino acid substitution p.Gly3431Cys. To our knowledge, this variant has not been reported in the literature or in a large population database, indicating this variant is rare. At this time, the clinical significance of this variant is uncertain due to the absence of conclusive functional and genetic evidence.

NM_001009944.3(PKD1):c.10291G>T (p.Gly3431Cys)

Gene: PKD1 (polycystin 1, transient receptor potential channel interacting; minus strand). Cytogenetic location: 16p13.3.
Variant type: single nucleotide variant.
Coding change: c.10291G>T on transcript NM_001009944.3 (MANE Select); coding-DNA position 10291, G replaced by T.
Protein change: p.Gly3431Cys; replaces glycine 3431 with cysteine.
Molecular consequence: missense variant.
Genome position (GRCh38, 1-based): chr16:2,097,433, C>A on the plus strand (G>T on the coding strand, the complement: PKD1 is on the minus strand). VCF-style: chr16-2097433-C-A. GRCh37 (hg19) VCF-style: chr16-2147434-C-A.
Other names: c.10288G>T, p.Gly3430Cys (NM_000296.4); short protein forms G3430C, G3431C.
Identifiers: ClinVar variation 3036713 (VCV003036713.2), dbSNP rs1289793709, ClinGen allele CA394346879.
Genomic context (GRCh38, chr16:2,097,433, plus strand): 5'-CCTCCTCTGGGCCCAGCCCATGGCCCGCCTGGCCCCGTGCCAGCTGCCGCAGATTGCTAC[C>A]CACAATGGACGGGTCACTGAGCAGGTCCGGCCAACTGAGCGTTCCCTCGCCGGAGGGCCA-3'
Protein context (NP_001009944.3, residues 3421-3441): PDLLSDPSIV[Gly3431Cys]SNLRQLARGQ